The following is an entry in ClinVar:

NM_024753.5(TTC21B):c.1259A>G (p.Asn420Ser)

Gene: TTC21B (tetratricopeptide repeat domain 21B; minus strand). Cytogenetic location: 2q24.3.
Variant type: single nucleotide variant.
Coding change: c.1259A>G on transcript NM_024753.5 (MANE Select); coding-DNA position 1259, A replaced by G.
Protein change: p.Asn420Ser; replaces asparagine 420 with serine.
Molecular consequence: missense variant.
Genome position (GRCh38, 1-based): chr2:165,929,262, T>C on the plus strand (A>G on the coding strand, the complement: TTC21B is on the minus strand). VCF-style: chr2-165929262-T-C. GRCh37 (hg19) VCF-style: chr2-166785772-T-C.
Other names: c.1259A>G (NM_024753.4); short protein forms N420S.
Identifiers: ClinVar variation 1349409 (VCV001349409.7), dbSNP rs1267990831, ClinGen allele CA349065276.

ClinVar aggregate classification (germline): Uncertain significance. Review status: criteria provided, multiple submitters, no conflicts (2 of 4 stars). 2 submissions from 2 submitters: Uncertain significance (2). Last evaluated 2025-08-18.

Conditions:
Nephronophthisis. Also called: Juvenile Nephronophthisis. Identifiers: Orphanet 655, MedGen C0687120, MONDO:0019005, HP:0000090.
Jeune thoracic dystrophy. Also called: Infantile thoracic dystrophy; Thoracic pelvic phalangeal dystrophy; Jeune's syndrome; Chondroectodermal dysplasia-like syndrome; Jeune syndrome; Short-rib thoracic dysplasia. Identifiers: Orphanet 474, MedGen C0265275, MONDO:0018770.
TTC21B-related disorder. Also called: TTC21B-related condition; TTC21B-related disorders.

Allele frequency attached by ClinVar (database versions not stated): gnomAD exomes below 0.00001 and 0.00001; gnomAD 0.00001 and 0.00002; TOPMed 0.00001.
gnomAD v4.1: 10 of 1,612,926 alleles (0.00062%); highest among the groups gnomAD compares: Admixed American, 0.012%; no homozygotes.

Submissions (2):

Labcorp Genetics (formerly Invitae), Labcorp
Classification: Uncertain significance for Jeune thoracic dystrophy; Nephronophthisis. Last evaluated: 2025-08-18. Review status: criteria provided, single submitter. Criteria: Invitae Variant Classification Sherloc (09022015). Collection method: clinical testing. Allele origin: germline.
Comment: This sequence change replaces asparagine, which is neutral and polar, with serine, which is neutral and polar, at codon 420 of the TTC21B protein (p.Asn420Ser). This variant is present in population databases (no rsID available, gnomAD 0.01%). This variant has not been reported in the literature in individuals affected with TTC21B-related conditions. ClinVar contains an entry for this variant (Variation ID: 1349409). Invitae Evidence Modeling of protein sequence and biophysical properties (such as structural, functional, and spatial information, amino acid conservation, physicochemical variation, residue mobility, and thermodynamic stability) indicates that this missense variant is not expected to disrupt TTC21B protein function with a negative predictive value of 95%. In summary, the available evidence is currently insufficient to determine the role of this variant in disease. Therefore, it has been classified as a Variant of Uncertain Significance.

PreventionGenetics, part of Exact Sciences
Classification: Uncertain significance for TTC21B-related condition. Last evaluated: 2025-02-25. Review status: criteria provided, single submitter. Criteria: ACMG Guidelines, 2015. Collection method: clinical testing. Allele origin: germline.
Comment: The TTC21B c.1259A>G variant is predicted to result in the amino acid substitution p.Asn420Ser. To our knowledge, this variant has not been reported in the literature. This variant is reported in 0.011% of alleles in individuals of Latino descent in gnomAD. At this time, the clinical significance of this variant is uncertain due to the absence of conclusive functional and genetic evidence.